The following is an entry in ClinVar:

NM_024596.5(MCPH1):c.605A>T (p.His202Leu)

Gene: MCPH1 (microcephalin 1; plus strand). Cytogenetic location: 8p23.1.
Variant type: single nucleotide variant.
Coding change: c.605A>T on transcript NM_024596.5 (MANE Select); coding-DNA position 605, A replaced by T.
Protein change: p.His202Leu; replaces histidine 202 with leucine.
Molecular consequence: missense variant. On other transcripts: non-coding transcript variant (1).
Genome position (GRCh38, 1-based): chr8:6,442,091, A>T. VCF-style: chr8-6442091-A-T. GRCh37 (hg19) VCF-style: chr8-6299612-A-T.
Other names: c.605A>T, p.His202Leu (NM_001172574.2, NM_001322042.2, NM_001363979.1 and 3 more transcripts); c.461A>T, p.His154Leu (NM_001172575.2); c.599A>T, p.His200Leu (NM_001322043.2); c.503A>T, p.His168Leu (NM_001322045.2); short protein forms H154L, H200L, H168L, H202L.
Identifiers: ClinVar variation 2206715 (VCV002206715.2), dbSNP rs369302385, ClinGen allele CA4610320.

ClinVar aggregate classification (germline): Uncertain significance (1 of 4 stars; one submission).

Conditions:
Inborn genetic diseases. Identifiers: MedGen C0950123, MeSH D030342.

Allele frequency attached by ClinVar (database versions not stated): ESP Exome Variant Server 0.00025.
gnomAD v4.1: 40 of 1,613,306 alleles (0.0025%); highest among the groups gnomAD compares: African/African-American, 0.045%; 1 homozygote.

Submission:

Ambry Genetics
Classification: Uncertain significance for Inborn genetic diseases. Last evaluated: 2022-06-08. Review status: criteria provided, single submitter. Criteria: Ambry Variant Classification Scheme 2023. Collection method: clinical testing. Allele origin: germline.
Comment: The c.605A>T (p.H202L) alteration is located in exon 7 (coding exon 7) of the MCPH1 gene. This alteration results from a A to T substitution at nucleotide position 605, causing the histidine (H) at amino acid position 202 to be replaced by a leucine (L). The p.H202L alteration is predicted to be tolerated by in silico analysis. Based on insufficient or conflicting evidence, the clinical significance of this alteration remains unclear.